The following is an entry in ClinVar:

ClinVar aggregate classification (germline): Uncertain significance. Review status: criteria provided, multiple submitters, no conflicts (2 of 4 stars). 3 submissions from 3 submitters: Uncertain significance (3). Last evaluated 2025-08-26.

Conditions:
Inborn genetic diseases. Identifiers: MedGen C0950123, MeSH D030342.

Allele frequency attached by ClinVar (database versions not stated): gnomAD 0.00001; TOPMed 0.00001.

Submissions (3):

Ambry Genetics
Classification: Uncertain significance for Inborn genetic diseases. Last evaluated: 2025-08-26. Review status: criteria provided, single submitter. Criteria: Ambry Variant Classification Scheme 2023. Collection method: clinical testing. Allele origin: germline.

GeneDx
Classification: Uncertain significance. Last evaluated: 2024-03-13. Review status: criteria provided, single submitter. Criteria: GeneDx Variant Classification Process June 2021. Collection method: clinical testing. Allele origin: germline. Affected: yes.
Comment: Not observed at significant frequency in large population cohorts (gnomAD); In silico analysis supports that this missense variant does not alter protein structure/function; Has not been previously published as pathogenic or benign to our knowledge

Breakthrough Genomics
Classification: Uncertain significance. Review status: criteria provided, single submitter. Criteria: ACMG Guidelines, 2015. Collection method: not provided. Allele origin: germline. Inheritance: Autosomal recessive inheritance. Affected: yes.

NM_145199.3(LIPT1):c.551C>G (p.Thr184Ser)

Genes: MITD1 (microtubule interacting and trafficking domain containing 1; minus strand), LIPT1 (lipoyltransferase 1; plus strand). Cytogenetic location: 2q11.2.
Variant type: single nucleotide variant.
Coding change: c.551C>G on transcript NM_145199.3 (MANE Select); coding-DNA position 551, C replaced by G.
Protein change: p.Thr184Ser; replaces threonine 184 with serine.
Molecular consequence: missense variant. On other transcripts: non-coding transcript variant (2).
Genome position (GRCh38, 1-based): chr2:99,162,508, C>G. VCF-style: chr2-99162508-C-G. GRCh37 (hg19) VCF-style: chr2-99778971-C-G.
Other names: c.551C>G, p.Thr184Ser (NM_001204830.2, NM_015929.4, NM_145197.3 and 1 more transcripts); c.551C>G (NM_015929.3); short protein forms T184S.
Identifiers: ClinVar variation 2368848 (VCV002368848.5), dbSNP rs1268486039, ClinGen allele CA347853566.
Genomic context (GRCh38, chr2:99,162,508, plus strand): 5'-GAACAGCTTCTAAGATCGGCCGGACTACTGCCTATCACCATTGCACTTTATTATGTAGTA[C>G]TGATGGGACGTTCTTGTCTTCTTTGCTAAAGAGCCCTTACCAAGGGATCAGGAGCAATGC-3'
Protein context (NP_660200.1, residues 174-194): AYHHCTLLCS[Thr184Ser]DGTFLSSLLK